The following is an entry in ClinVar:

NM_000170.3(GLDC):c.2280C>T (p.His760=)

Gene: GLDC (glycine decarboxylase; minus strand). Cytogenetic location: 9p24.1.
Variant type: single nucleotide variant.
Coding change: c.2280C>T on transcript NM_000170.3 (MANE Select); coding-DNA position 2280, C replaced by T.
Protein change: p.His760=; no amino-acid change (histidine 760 retained).
Molecular consequence: synonymous variant.
Genome position (GRCh38, 1-based): chr9:6,554,704, G>A on the plus strand (C>T on the coding strand, the complement: GLDC is on the minus strand). VCF-style: chr9-6554704-G-A. GRCh37 (hg19) VCF-style: chr9-6554704-G-A.
Identifiers: ClinVar variation 1093838 (VCV001093838.11), dbSNP rs777816136, ClinGen allele CA4980308.
Genomic context (GRCh38, chr9:6,554,704, plus strand): 5'-CTGAAACCAGCAGCCCAGAACTTACACTCCGATGGGCCCCATGCCAGGACCACCTCCTCC[G>A]TGGGGAATGCAGAAGGTCTTGTGAAGATTTAGGTGCGAGACATCAGACCCGAAGTCTCCA-3'
Protein context (NP_000161.2, residues 750-770): LNLHKTFCIP[His760=]GGGGPGMGPI

ClinVar aggregate classification (germline): Likely benign. Review status: criteria provided, multiple submitters, no conflicts (2 of 4 stars). 2 submissions from 2 submitters: Likely benign (2). Last evaluated 2026-06-01.

Conditions:
Glycine encephalopathy. Also called: Non-ketotic hyperglycinemia; Nonketotic hyperglycinemia. Identifiers: Orphanet 407, MedGen C0751748, MONDO:0011612, HP:0008288.

Allele frequency attached by ClinVar (database versions not stated): ExAC 0.00001; gnomAD 0.00001; gnomAD exomes 0.00001 and below 0.00001.

Submissions (2):

CeGaT Center for Human Genetics Tuebingen
Classification: Likely benign. Last evaluated: 2026-06-01. Review status: criteria provided, single submitter. Criteria: CeGaT Center For Human Genetics Tuebingen Variant Classification Criteria Version 2. Collection method: clinical testing. Allele origin: germline. Affected: yes. Observed: 1 variant allele.
Comment: GLDC: BP4, BP7

Labcorp Genetics (formerly Invitae), Labcorp
Classification: Likely benign for Glycine encephalopathy. Last evaluated: 2025-09-08. Review status: criteria provided, single submitter. Criteria: Invitae Variant Classification Sherloc (09022015). Collection method: clinical testing. Allele origin: germline.